The following is an entry in ClinVar:

ClinVar aggregate classification (germline): Uncertain significance. Review status: criteria provided, multiple submitters, no conflicts (2 of 4 stars). 2 submissions from 2 submitters: Uncertain significance (2). Last evaluated 2024-02-08.

Conditions:
Inborn genetic diseases. Identifiers: MedGen C0950123, MeSH D030342.

Allele frequency attached by ClinVar (database versions not stated): ESP Exome Variant Server 0.00015; 1000 Genomes Project 30x 0.00016; gnomAD 0.00004; TOPMed 0.00005; gnomAD exomes below 0.00001; ExAC 0.00002.
gnomAD v4.1: 12 of 1,614,214 alleles (0.00074%); highest among the groups gnomAD compares: African/African-American, 0.016%; no homozygotes.

Submissions (2):

GeneDx
Classification: Uncertain significance. Last evaluated: 2024-02-08. Review status: criteria provided, single submitter. Criteria: GeneDx Variant Classification Process June 2021. Collection method: clinical testing. Allele origin: germline.
Comment: In silico analysis supports that this missense variant does not alter protein structure/function; Has not been previously published as pathogenic or benign to our knowledge

Ambry Genetics
Classification: Uncertain significance for Inborn genetic diseases. Last evaluated: 2023-03-20. Review status: criteria provided, single submitter. Criteria: Ambry Variant Classification Scheme 2023. Collection method: clinical testing. Allele origin: germline.

NM_024996.7(GFM1):c.1213A>G (p.Met405Val)

Gene: GFM1 (G elongation factor mitochondrial 1; plus strand). Cytogenetic location: 3q25.32.
Variant type: single nucleotide variant.
Coding change: c.1213A>G on transcript NM_024996.7 (MANE Select); coding-DNA position 1213, A replaced by G.
Protein change: p.Met405Val; replaces methionine 405 with valine.
Molecular consequence: missense variant. On other transcripts: non-coding transcript variant (4), intron variant (1).
Genome position (GRCh38, 1-based): chr3:158,659,051, A>G. VCF-style: chr3-158659051-A-G. GRCh37 (hg19) VCF-style: chr3-158376840-A-G.
Other names: c.1270A>G, p.Met424Val (NM_001308164.2); c.1213A>G, p.Met405Val (NM_001308166.2); c.1096A>G, p.Met366Val (NM_001374356.1); c.988A>G, p.Met330Val (NM_001374357.1); c.754A>G, p.Met252Val (NM_001374358.1); c.646A>G, p.Met216Val (NM_001374359.1, NM_001374360.1); c.529A>G, p.Met177Val (NM_001374361.1); c.1141-1823A>G (NM_001374355.1); short protein forms M177V, M216V, M252V, M330V, M366V, M405V, M424V.
Identifiers: ClinVar variation 2446162 (VCV002446162.4), dbSNP rs369426408, ClinGen allele CA2682558.